The following is an entry in ClinVar:

ClinVar aggregate classification (germline): Pathogenic/Likely pathogenic. Review status: criteria provided, multiple submitters, no conflicts (2 of 4 stars). 10 submissions from 7 submitters: Pathogenic (5); Likely pathogenic (3). 2 of the submissions do not count toward it. Last evaluated 2024-03-09.

Conditions:
Hypertrophic cardiomyopathy. Also called: HYPERTROPHIC MYOCARDIOPATHY. Identifiers: Orphanet 217569, MedGen C0007194, MeSH D002312, MONDO:0005045, HP:0001639.
Abnormality of mitochondrial metabolism. Identifiers: MedGen C4021734, HP:0003287.
Mitochondrial respiratory chain defects. Identifiers: MedGen C2751582, HP:0200125.
Inborn mitochondrial myopathy. Also called: Mitochondrial myopathy; Mitochondrial Myopathies. Identifiers: Orphanet 206966, MedGen C0162670, MONDO:0009637, HP:0003737.
SLC25A4-related disorder. Also called: SLC25A4-related condition.
Myopia. Also called: Myopia (disease). Identifiers: MedGen C0027092, MONDO:0001384, HP:0000545.
Vertigo. Identifiers: MedGen C0042571, HP:0002321.
Progressive sensorineural hearing impairment. Identifiers: MedGen C1843156, HP:0000408.
Mitochondrial DNA depletion syndrome 12B (cardiomyopathic type), autosomal recessive. Also called: Mitochondrial DNA depletion syndrome 12B (cardiomyopathic type) AR. Identifiers: Orphanet 1369, MedGen C3809443, MONDO:0014175, OMIM 615418.
Progressive external ophthalmoplegia with mitochondrial DNA deletions, autosomal dominant 2. Also called: PROGRESSIVE EXTERNAL OPHTHALMOPLEGIA, AUTOSOMAL DOMINANT 2. Identifiers: MedGen C1836460, MONDO:0012238, OMIM 609283.
Left ventricular hypertrophy. Identifiers: MedGen C0149721, HP:0001712.

Allele frequency attached by ClinVar (database versions not stated): gnomAD exomes below 0.00001 and 0.00001; gnomAD 0.00001; TOPMed 0.00001.
gnomAD v4.1: 4 of 1,614,082 alleles (0.00025%); highest among the groups gnomAD compares: Non-Finnish European, 0.00034%; no homozygotes.

Submissions (10):

Blueprint Genetics
Classification: Pathogenic for SLC25A4-related disorders. Last evaluated: 2024-03-09. Review status: criteria provided, single submitter. Criteria: ACMG Guidelines, 2015. Collection method: clinical testing. Allele origin: germline. Affected: yes. Observed: 4 variant alleles.

Women's Health and Genetics/Laboratory Corporation of America, LabCorp
Classification: Pathogenic for Mitochondrial DNA depletion syndrome 12B (cardiomyopathic type), autosomal recessive. Last evaluated: 2023-03-16. Review status: criteria provided, single submitter. Criteria: LabCorp Variant Classification Summary - May 2015. Collection method: clinical testing. Allele origin: germline.
Comment: Variant summary: SLC25A4 c.368C>A (p.Ala123Asp) results in a non-conservative amino acid change in the encoded protein sequence. Five of five in-silico tools predict a damaging effect of the variant on protein function. The variant allele was found at a frequency of 4e-06 in 251356 control chromosomes. c.368C>A has been reported in the literature as a biallelic homozygous or compound heterozygous genotype in individuals affected with features of Mitochondrial DNA depletion syndrome 12B (cardiomyopathic type) AR (example, Palmieri_2005, Tosserams_2018). These data indicate that the variant may be associated with disease. At least one publication reports experimental evidence evaluating an impact on protein function (Palmieri_2005). The most pronounced variant effect results in absent ADP/ATP carrier activity in muscle homogenate from the patient with a homozygous genotype upon reconstitution into liposomes. Seven clinical diagnostic laboratories have submitted clinical-significance assessments for this variant to ClinVar after 2014 (P/LP, n=6; VUS, n=1). Based on the evidence outlined above, the variant was classified as pathogenic.

AiLife Diagnostics
Classification: Likely pathogenic. Last evaluated: 2022-02-16. Review status: criteria provided, single submitter. Criteria: ACMG Guidelines, 2015. Collection method: clinical testing. Allele origin: germline. Affected: yes. Observed: 1 variant allele.

GeneDx
Classification: Pathogenic. Last evaluated: 2021-05-24. Review status: criteria provided, single submitter. Criteria: GeneDx Variant Classification Process June 2021. Collection method: clinical testing. Allele origin: germline. Affected: yes.
Comment: Functional studies show that the A123D variant abolishes ATP transport indicating this variant results in a loss of function (Palmieri et al., 2005; Ravaud et al., 2012); In silico analysis supports that this missense variant has a deleterious effect on protein structure/function; Not observed at a significant frequency in large population cohorts (Lek et al., 2016); This variant is associated with the following publications: (PMID: 21549803, 24797559, 22497660, 16155110, 27693233, 30893019, 28823815, 25732997, 29654543, 30165862, 27829346)

Centre for Mendelian Genomics, University Medical Centre Ljubljana
Classification: Likely pathogenic for Progressive external ophthalmoplegia with mitochondrial DNA deletions, autosomal dominant 2. Last evaluated: 2018-10-16. Review status: criteria provided, single submitter. Criteria: ACMG Guidelines, 2015. Collection method: clinical testing. Allele origin: unknown. Affected: yes.
Comment: This variant was classified as: Likely pathogenic. The following ACMG criteria were applied in classifying this variant: PS3,PM2,PP3,PP5.

Institute of Human Genetics Munich, TUM University Hospital
Classification: Pathogenic for Mitochondrial DNA depletion syndrome 12B (cardiomyopathic type), autosomal recessive. Last evaluated: 2017-09-08. Review status: criteria provided, single submitter. Criteria: Classification criteria August 2017. Collection method: clinical testing. Allele origin: inherited. Inheritance: Autosomal recessive inheritance. Affected: yes. Observed: 2 homozygotes.

Centre for Mendelian Genomics, University Medical Centre Ljubljana
Classification: Likely pathogenic for Myopia; Progressive sensorineural hearing impairment; Vertigo. Last evaluated: 2017-01-01. Review status: criteria provided, single submitter. Criteria: ACMG Guidelines, 2015. Collection method: clinical testing. Allele origin: unknown. Affected: yes.

Centre for Mendelian Genomics, University Medical Centre Ljubljana
Classification: Pathogenic for Abnormality of mitochondrial metabolism; Hypertrophic cardiomyopathy; Inborn mitochondrial myopathy; Mitochondrial respiratory chain defects. Last evaluated: 2017-01-01. Review status: criteria provided, single submitter. Criteria: ACMG Guidelines, 2015. Collection method: clinical testing. Allele origin: unknown. Affected: yes.

OMIM
Classification: Pathogenic for MITOCHONDRIAL DNA DEPLETION SYNDROME 12B (CARDIOMYOPATHIC TYPE), AUTOSOMAL RECESSIVE. Last evaluated: 2005-10-15. Review status: no assertion criteria provided. Collection method: literature only. Allele origin: germline. Not counted in ClinVar's aggregate classification.

Centre for Mendelian Genomics, University Medical Centre Ljubljana
Classification: Uncertain significance for Left ventricular hypertrophy. Last evaluated: 2017-01-01. Review status: flagged submission. Criteria: ACMG Guidelines, 2015. Collection method: clinical testing. Allele origin: unknown. Affected: yes. Not counted in ClinVar's aggregate classification.
ClinVar note: Reason: Claim with insufficient supporting evidence

Literature cited by the submitters: PubMed 16155110 (cited by 3 submitters); PubMed 27693233 (cited by Women's Health and Genetics/Laboratory Corporation of America, LabCorp and AiLife Diagnostics); PubMed 28823815 (cited by Women's Health and Genetics/Laboratory Corporation of America, LabCorp); PubMed 33923309 (cited by Women's Health and Genetics/Laboratory Corporation of America, LabCorp); PubMed 29654543 (cited by Women's Health and Genetics/Laboratory Corporation of America, LabCorp); PubMed 22497660 (cited by AiLife Diagnostics); PubMed 21549803 (cited by AiLife Diagnostics).

NM_001151.4(SLC25A4):c.368C>A (p.Ala123Asp)

Gene: SLC25A4 (solute carrier family 25 member 4; plus strand). Cytogenetic location: 4q35.1.
Variant type: single nucleotide variant.
Coding change: c.368C>A on transcript NM_001151.4 (MANE Select); coding-DNA position 368, C replaced by A.
Protein change: p.Ala123Asp; replaces alanine 123 with aspartic acid.
Molecular consequence: missense variant.
Genome position (GRCh38, 1-based): chr4:185,145,020, C>A. VCF-style: chr4-185145020-C-A. GRCh37 (hg19) VCF-style: chr4-186066174-C-A.
Other names: short protein forms A123D.
Identifiers: ClinVar variation 18249 (VCV000018249.11), dbSNP rs121912683, ClinGen allele CA127988.